The following is an entry in ClinVar:

ClinVar aggregate classification (germline): Uncertain significance (1 of 4 stars; one submission).

Submission:

Labcorp Genetics (formerly Invitae), Labcorp
Classification: Uncertain significance. Last evaluated: 2024-07-16. Review status: criteria provided, single submitter. Criteria: Invitae Variant Classification Sherloc (09022015). Collection method: clinical testing. Allele origin: germline.
Comment: This sequence change replaces valine, which is neutral and non-polar, with isoleucine, which is neutral and non-polar, at codon 107 of the MMP14 protein (p.Val107Ile). This variant is not present in population databases (gnomAD no frequency). This variant has not been reported in the literature in individuals affected with MMP14-related conditions. An algorithm developed to predict the effect of missense changes on protein structure and function (PolyPhen-2) suggests that this variant is likely to be tolerated. In summary, the available evidence is currently insufficient to determine the role of this variant in disease. Therefore, it has been classified as a Variant of Uncertain Significance.

NM_004995.4(MMP14):c.319G>A (p.Val107Ile)

Gene: MMP14 (matrix metallopeptidase 14; plus strand). Cytogenetic location: 14q11.2.
Variant type: single nucleotide variant.
Coding change: c.319G>A on transcript NM_004995.4 (MANE Select); coding-DNA position 319, G replaced by A.
Protein change: p.Val107Ile; replaces valine 107 with isoleucine.
Molecular consequence: missense variant.
Genome position (GRCh38, 1-based): chr14:22,841,974, G>A. VCF-style: chr14-22841974-G-A. GRCh37 (hg19) VCF-style: chr14-23311183-G-A.
Other names: short protein forms V107I.
Identifiers: ClinVar variation 3659679 (VCV003659679.2).